The following is an entry in ClinVar:

ClinVar aggregate classification (germline): Uncertain significance. Review status: criteria provided, multiple submitters, no conflicts (2 of 4 stars). 4 submissions from 4 submitters: Uncertain significance (4). Last evaluated 2026-01-26.

Conditions:
Neuroblastoma, susceptibility to, 2. Identifiers: Orphanet 635, MedGen C2751682, MONDO:0700041, OMIM 613013.
Hereditary cancer-predisposing syndrome. Also called: Neoplastic Syndromes, Hereditary; Tumor predisposition; Hereditary Cancer Syndrome; Hereditary neoplastic syndrome. Identifiers: Orphanet 140162, MedGen C0027672, MeSH D009386, MONDO:0015356.
Haddad syndrome (OHD). Also called: Ondine-Hirschsprung disease. Identifiers: Orphanet 99803, MedGen C1859049, MONDO:0020493.

Submissions (4):

Labcorp Genetics (formerly Invitae), Labcorp
Classification: Uncertain significance for Haddad syndrome. Last evaluated: 2026-01-26. Review status: criteria provided, single submitter. Criteria: Invitae Variant Classification Sherloc (09022015). Collection method: clinical testing. Allele origin: germline.
Comment: This variant, c.832_837dup, results in the insertion of 2 amino acid(s) of the PHOX2B protein (p.Gly278_Pro279dup), but otherwise preserves the integrity of the reading frame. This variant is present in population databases (rs752879767, gnomAD 0.006%). This variant has not been reported in the literature in individuals affected with PHOX2B-related conditions. ClinVar contains an entry for this variant (Variation ID: 467751). Experimental studies and prediction algorithms are not available or were not evaluated, and the functional significance of this variant is currently unknown. In summary, the available evidence is currently insufficient to determine the role of this variant in disease. Therefore, it has been classified as a Variant of Uncertain Significance.

Ambry Genetics
Classification: Uncertain significance for Hereditary cancer-predisposing syndrome. Last evaluated: 2025-06-25. Review status: criteria provided, single submitter. Criteria: Ambry Variant Classification Scheme 2023. Collection method: clinical testing. Allele origin: germline.
Comment: The c.832_837dupGGCCCC variant (also known as p.G278_P279dup), located in coding exon 3 of the PHOX2B gene, results from an in-frame duplication of GGCCCC at nucleotide positions 832 to 837. This results in the duplication of 2 extra residues (GP) between codons 278 and 279. This amino acid region is highly conserved through mammals but not in all available vertebrate species. In addition, this alteration is predicted to be neutral by in silico analysis (Choi Y et al. PLoS ONE. 2012; 7(10):e46688). Since supporting evidence is limited at this time, the clinical significance of this alteration remains unclear.

Baylor Genetics
Classification: Uncertain significance for Neuroblastoma, susceptibility to, 2. Last evaluated: 2024-01-30. Review status: criteria provided, single submitter. Criteria: ACMG Guidelines, 2015. Collection method: clinical testing. Allele origin: unknown.

GeneDx
Classification: Uncertain significance. Last evaluated: 2023-11-09. Review status: criteria provided, single submitter. Criteria: GeneDx Variant Classification Process June 2021. Collection method: clinical testing. Allele origin: germline. Affected: yes.
Comment: In-frame duplication of 2 amino acids in a non-repeat region; Not observed at significant frequency in large population cohorts (gnomAD); Observed in a patient with congenital central hypoventilation syndrome (PMID: 33958749); This variant is associated with the following publications: (PMID: 33958749)

NM_003924.4(PHOX2B):c.826GGCCCC[3] (p.276GP[3])

Gene: PHOX2B (paired like homeobox 2B; minus strand). Cytogenetic location: 4p13.
Variant type: Microsatellite.
Coding change: c.826GGCCCC[3] on transcript NM_003924.4 (MANE Select); three copies in a row of the 6-base unit GGCCCC starting at c.826; the reference has two copies in a row; one copy, 6 bases duplicated; also written c.832_837dup.
Protein change: p.276GP[3].
Molecular consequence: inframe insertion.
Genome position (GRCh38, 1-based): chr4:41,745,915-41,745,920, GGGGCC duplicated on the plus strand (GGCCCC on the coding strand, the reverse complement: PHOX2B is on the minus strand); duplicating any 6 consecutive bases within chr4:41,745,915-41,745,929 gives the same sequence; the position shown is the placement nearest the transcript's 3' end. VCF-style (leftmost placement, unchanged base first): chr4-41745914-T-TGGGGCC. GRCh37 (hg19) VCF-style: chr4-41747931-T-TGGGGCC.
Other names: c.832_837dup (NM_003924.3, NM_003924.4).
Identifiers: ClinVar variation 467751 (VCV000467751.18), dbSNP rs752879767, ClinGen allele CA2901405.
Genomic context (GRCh38, chr4:41,745,914, plus strand): 5'-TTTGGAGCGAAGATAGGACGCTGGCGAAGGGACCCCCAAGCGAATCCGGGATGGAGGTGA[T>TGGGGCC]GGGGCCGGGGCCGGGAGCCCAGCCTTGTCCAGGGCCCCCAGCCGCAGCCAGGCCTCCAGC-3'